The following is an entry in ClinVar:

ClinVar aggregate classification (germline): Pathogenic. Review status: reviewed by expert panel (3 of 4 stars). 12 submissions from 12 submitters: Pathogenic (1). 11 of the submissions do not count toward it. Last evaluated 2025-08-22.

Conditions:
Hereditary cancer-predisposing syndrome. Also called: Hereditary Cancer Syndrome; Hereditary neoplastic syndrome; Neoplastic Syndromes, Hereditary; Tumor predisposition. Identifiers: Orphanet 140162, MedGen C0027672, MeSH D009386, MONDO:0015356.
BRCA1-related cancer predisposition. Identifiers: MedGen CN377757, MONDO:0700268.
Hereditary breast ovarian cancer syndrome. Also called: BRCA1- and BRCA2-Associated Hereditary Breast and Ovarian Cancer; Hereditary breast and ovarian cancer syndrome; Hereditary breast and ovarian cancer syndrome (HBOC); Breast and ovarian cancer; Hereditary breast and/or ovarian cancer syndrome; Hereditary breast and ovarian cancer. Identifiers: Orphanet 145, MedGen C0677776, MeSH D061325, MONDO:0003582. Disease mechanism: loss of function.
Breast-ovarian cancer, familial, susceptibility to, 1 (BROVCA1). Also called: BRCA1 Hereditary Breast and Ovarian Cancer; OVARIAN CANCER, SUSCEPTIBILITY TO. Identifiers: Orphanet 145, MedGen C2676676, MONDO:0011450, OMIM 604370. Disease mechanism: loss of function.

Submissions 1 to 4 of 13:

ClinGen ENIGMA BRCA1 and BRCA2 Variant Curation Expert Panel, ClinGen
Classification: Pathogenic for BRCA1-related cancer predisposition. Last evaluated: 2025-08-22. Review status: reviewed by expert panel. Criteria: CSpec BRCA1/2ACMG Rules Specifications V1.2. Collection method: curation. Allele origin: germline. Inheritance: Autosomal dominant inheritance.
Comment: The c.5332G>A variant in BRCA1 is a missense variant predicted to cause substitution of Aspartic Acid by Asparagine at amino acid 1778 (p.(Asp1778Asn)). This variant is absent from gnomAD v2.1 (exomes only, non-cancer subset, read depth ≥25) and gnomAD v3.1 (non-cancer subset, read depth ≥25) (PM2_Supporting met). This BRCA1 missense variant has a SpliceAI score of 0.25, predicting an impact on splicing (score threshold ≥0.2) (PP3 not applied because a PVS1 code is met). Missense variant shown to alter splicing (see PVS1 or BP7 for description), functional data considered only from assays that measure effect via mRNA and protein. Results from one calibrated study with cDNA based design not considered for code application (PMID:38709234). Reported by one calibrated study incorporating mRNA splicing effects to exhibit a partial impact on function, between what was observed for benign and pathogenic control variants (PMID:30209399) (PS3 and BS3 not met). Multifactorial likelihood ratio analysis using clinically calibrated data produced a combined LR for this variant of 127.1 (based on Pathology LR=0.4; Co-occurrence LR=1.1; Family History LR=287.8), within the thresholds for strong evidence towards pathogenicity (LR >18.7 & ≤350) (PP4_Strong met; PMIDs: 31131967, 31853058, Internal lab contributors). This variant is reported to result in aberrant mRNA splicing. RT-PCR demonstrated that the variant impacts splicing by skipping of exon 21 (PMID: 25724305, 22505045). Minigene and gel electrophoresis assessment determined that the percent of reference (full-length) and aberrant transcript gel band intensities were 0 % / 100 %, respectively (PMID 25724305). An additional RT-PCR based study demonstrated that the variant impacts splicing by skipping of exon 21 (PMID: 30315757). The percent reference (full-length) and aberrant transcripts produced from the variant allele using non-allele specific semi-quantitative assessment with capillary electrophoresis was determined to be 30 % / 60 %. Final code strength determined by the rubric: PVS1 (RNA). In summary, this variant meets the criteria to be classified as a Pathogenic variant for BRCA1-related cancer predisposition based on the ACMG/AMP criteria applied as specified by the ENIGMA BRCA1/2 VCEP (PM2_Supporting, PP4_Strong, PVS1 (RNA)).

Ambry Genetics
Classification: Likely pathogenic for Hereditary cancer-predisposing syndrome. Last evaluated: 2025-12-19. Review status: criteria provided, single submitter. Criteria: Ambry Variant Classification Scheme 2023. Collection method: clinical testing. Allele origin: germline. Not counted in ClinVar's aggregate classification.
Comment: The c.5332G>A variant (also known as p.D1778N), located in coding exon 19 of the BRCA1 gene, results from a G to A substitution at nucleotide position 5332. The amino acid change results in aspartic acid to asparagine at codon 1778, an amino acid with highly similar properties. This variant has been reported in the literature in multiple individuals with personal and/or family history consistent with Hereditary Breast and Ovarian Cancer syndrome (Tischkowitz M et al. Eur J Hum Genet 2008 Jul;16:820-32; Gaj P et al. Fam Cancer, 2012 Dec;11:623-8; Ryu JM et al. Breast, 2017 Jun;33:109-116; Rebbeck TR et al. Hum Mutat, 2018 05;39:593-620; Li H et al. Genet. Med., 2020 Apr;22:701-708). This alteration has been reported in trans with another BRCA1 pathogenic alteration, but the details on how phase was confirmed were not provided (Cherbal F et al. Dis Markers 2012 ;32(6):343-53.). This variant has also been shown to segregate with breast and ovarian cancer in multiple families (external communication). RNA assays have shown that this variant leads to skipping of exon 21 (coding exon 19) (Houdayer C et al. Hum Mutat 2012 Aug;33:1228-38; Ahlborn LB et al. Breast Cancer Res Treat. 2015 Apr;150:289-98; Minucci A et al. Clin Biochem 2019 Jan;63:54-58; Ambry internal data). This variant is considered to be rare based on population cohorts in the Genome Aggregation Database (gnomAD). This nucleotide position is highly conserved in available vertebrate species. In silico splice site analysis for this alteration is inconclusive. Based on the majority of available evidence to date, this variant is likely to be pathogenic.

Labcorp Genetics (formerly Invitae), Labcorp
Classification: Likely pathogenic for Hereditary breast ovarian cancer syndrome. Last evaluated: 2025-09-24. Review status: criteria provided, single submitter. Criteria: Invitae Variant Classification Sherloc (09022015). Collection method: clinical testing. Allele origin: germline. Not counted in ClinVar's aggregate classification.
Comment: This sequence change replaces aspartic acid, which is acidic and polar, with asparagine, which is neutral and polar, at codon 1778 of the BRCA1 protein (p.Asp1778Asn). RNA analysis indicates that this missense change induces altered splicing and may result in an absent or altered protein product. This variant is not present in population databases (gnomAD no frequency). This missense change has been observed in individual(s) with breast and/or ovarian cancer (PMID: 18285836, 22684231, 28364669; external communication, internal data). It has also been observed to segregate with disease in related individuals. This variant has been observed on the opposite chromosome (in trans) from a pathogenic variant in BRCA1 in at least one individual affected with breast cancer but no reported features of Fanconi anemia (PMID: 22684231). However, the parental genotyping data supporting this observation was not provided. ClinVar contains an entry for this variant (Variation ID: 55530). An algorithm developed to predict the effect of missense changes on protein structure and function (PolyPhen-2) suggests that this variant is likely to be tolerated. Experimental studies have shown that this missense change does not substantially affect BRCA1 protein function (PMID: 20378548, 20516115, 25748678, 30765603). Variants that disrupt the consensus splice site are a relatively common cause of aberrant splicing (PMID: 17576681, 9536098). Studies have shown that this missense change alters mRNA splicing and is expected to lead to the loss of protein expression (PMID: 22505045, 25724305, 30315757; internal data). In summary, the currently available evidence indicates that the variant is pathogenic, but additional data are needed to prove that conclusively. Therefore, this variant has been classified as Likely Pathogenic.

Color Diagnostics, LLC DBA Color Health
Classification: Likely pathogenic for Hereditary cancer-predisposing syndrome. Last evaluated: 2025-06-10. Review status: criteria provided, single submitter. Criteria: ACMG Guidelines, 2015. Collection method: clinical testing. Allele origin: germline. Not counted in ClinVar's aggregate classification.
Comment: This variant causes a G>A nucleotide change at the conserved guanine at the end of exon 20 in the BRCA1 gene. Splicing prediction tools suggest that this variant has a deleterious impact at the intron 20 splice donor site. Several RNA studies have reported that this variant resulted in the out-of-frame skipping of exon 20 in carrier-derived RNA and in minigene splicing assay (PMID: 22505045, 25724305, 30315757, 32133419). This variant has been reported in at least three individuals affected with ovarian cancer (PMID: 21371001, 28364669, 30315757) and additional individuals affected with breast cancer and/or from suspected hereditary breast and ovarian cancer families (PMID: 22684231, 28364669, 29446198, 33471991, 35127315Leiden Open Variation Database DB-ID BRCA1_000455). This variant has been reported to segregate with disease (PMID: 31642931). A multifactorial analysis has reported likelihood ratios for pathogenicity based on segregation, tumor pathology, co-occurrence with a pathogenic variant and family history of 1.0014, 0.4, 1.1026 and 0.3254, respectively (PMID: 31131967). This variant has not been identified in the general population by the Genome Aggregation Database (gnomAD). Loss of BRCA1 function is a known mechanism of disease. Based on the available evidence, this variant is classified as Likely Pathogenic.

NM_007294.4(BRCA1):c.5332G>A (p.Asp1778Asn)

Gene: BRCA1 (BRCA1 DNA repair associated; minus strand). Cytogenetic location: 17q21.31.
Variant type: single nucleotide variant.
Coding change: c.5332G>A on transcript NM_007294.4 (MANE Select); coding-DNA position 5332, G replaced by A.
Protein change: p.Asp1778Asn; replaces aspartic acid 1778 with asparagine.
Molecular consequence: missense variant. On other transcripts: non-coding transcript variant (1).
Genome position (GRCh38, 1-based): chr17:43,051,063, C>T on the plus strand (G>A on the coding strand, the complement: BRCA1 is on the minus strand). VCF-style: chr17-43051063-C-T. GRCh37 (hg19) VCF-style: chr17-41203080-C-T.
Other names: NM_007294.4(BRCA1):c.5332G>A; p.Asp1778Asn; 5451G>A; c.5332G>A, p.Asp1778Asn (NM_001407598.1, NM_001407602.1, NM_001407603.1 and 5 more transcripts); c.5329G>A, p.Asp1777Asn (NM_001407610.1, NM_001407611.1, NM_001407612.1 and 14 more transcripts); c.5203G>A, p.Asp1735Asn (NM_001407686.1, NM_001407687.1, NM_001407688.1 and 5 more transcripts); c.5200G>A, p.Asp1734Asn (NM_001407690.1, NM_001407691.1); c.5191G>A, p.Asp1731Asn (NM_001407692.1, NM_001407694.1, NM_001407695.1 and 12 more transcripts); and 85 more; short protein forms D1778N, D1731N, G674R, D1799N, D674N, D1609N, D1624N, D1651N.
Identifiers: ClinVar variation 55530 (VCV000055530.32), dbSNP rs80357112, ClinGen allele CA003491.